The following is an entry in ClinVar:

ClinVar aggregate classification (germline): Likely benign. Review status: criteria provided, multiple submitters, no conflicts (2 of 4 stars). 3 submissions from 3 submitters: Likely benign (2). 1 of the submissions does not count toward it. Last evaluated 2024-11-25.

Conditions:
REC114-related disorder. Also called: REC114-related condition.

Allele frequency attached by ClinVar (database versions not stated): 1000 Genomes Project 30x 0.00187; 1000 Genomes Project 0.00200; gnomAD exomes 0.00217; gnomAD 0.00246; ESP Exome Variant Server 0.00255; TOPMed 0.00297; ExAC 0.00536.
gnomAD v4.1: 3,622 of 1,587,870 alleles (0.23%); highest among the groups gnomAD compares: Middle Eastern, 3.5%; 22 homozygotes.

Submissions (3):

Blueprint Genetics
Classification: Likely benign. Last evaluated: 2024-11-25. Review status: criteria provided, single submitter. Criteria: ACMG Guidelines, 2015. Collection method: clinical testing. Allele origin: germline.

CeGaT Center for Human Genetics Tuebingen
Classification: Likely benign. Last evaluated: 2023-06-01. Review status: criteria provided, single submitter. Criteria: CeGaT Center For Human Genetics Tuebingen Variant Classification Criteria Version 2. Collection method: clinical testing. Allele origin: germline. Affected: yes. Observed: 1 variant allele.
Comment: REC114: BP4, BS2

PreventionGenetics, part of Exact Sciences
Classification: Likely benign for REC114-related condition. Last evaluated: 2019-04-30. Review status: no assertion criteria provided. Collection method: clinical testing. Allele origin: germline. Not counted in ClinVar's aggregate classification.
Comment: This variant is classified as likely benign based on ACMG/AMP sequence variant interpretation guidelines (Richards et al. 2015 PMID: 25741868, with internal and published modifications).

NM_001042367.2(REC114):c.198C>T (p.Leu66=)

Gene: REC114 (REC114 meiotic recombination protein; plus strand). Cytogenetic location: 15q24.1.
Variant type: single nucleotide variant.
Coding change: c.198C>T on transcript NM_001042367.2 (MANE Select); coding-DNA position 198, C replaced by T.
Protein change: p.Leu66=; no amino-acid change (leucine 66 retained).
Molecular consequence: synonymous variant.
Genome position (GRCh38, 1-based): chr15:73,473,870, C>T. VCF-style: chr15-73473870-C-T. GRCh37 (hg19) VCF-style: chr15-73766211-C-T.
Other names: c.198C>T, p.Leu66= (NM_001348772.2); c.198C>T (NM_001042367.1).
Identifiers: ClinVar variation 2645531 (VCV002645531.26), dbSNP rs140303255, ClinGen allele CA7649583.